The following is an entry in ClinVar:

ClinVar aggregate classification (germline): Benign/Likely benign. Review status: criteria provided, multiple submitters, no conflicts (2 of 4 stars). 4 submissions from 4 submitters: Benign (1); Likely benign (3). Last evaluated 2026-07-22.

Conditions:
LAMA1-related disorder. Also called: LAMA1-related condition; LAMA1-related disorders.

Allele frequency attached by ClinVar (database versions not stated): gnomAD below 0.00001 and 0.00015; TOPMed 0.00002; gnomAD exomes 0.00052; ExAC 0.00064; 1000 Genomes Project 30x 0.00078; 1000 Genomes Project 0.00100.
gnomAD v4.1: 420 of 1,614,160 alleles (0.026%); highest among the groups gnomAD compares: South Asian, 0.43%; 3 homozygotes.

Submissions (4):

PreventionGenetics, part of Exact Sciences
Classification: Likely benign for LAMA1-related condition. Last evaluated: 2026-07-22. Review status: criteria provided, single submitter. Criteria: ACMG Guidelines, 2015. Collection method: clinical testing. Allele origin: germline.
Comment: This variant is classified as likely benign based on ACMG/AMP sequence variant interpretation guidelines (Richards et al. 2015 PMID: 25741868, with internal and published modifications).

CeGaT Center for Human Genetics Tuebingen
Classification: Likely benign. Last evaluated: 2026-03-01. Review status: criteria provided, single submitter. Criteria: CeGaT Center For Human Genetics Tuebingen Variant Classification Criteria Version 2. Collection method: clinical testing. Allele origin: germline. Affected: yes. Observed: 2 variant alleles.
Comment: LAMA1: BP4, BP7

Blueprint Genetics
Classification: Likely benign. Last evaluated: 2024-11-19. Review status: criteria provided, single submitter. Criteria: ACMG Guidelines, 2015. Collection method: clinical testing. Allele origin: germline.

Labcorp Genetics (formerly Invitae), Labcorp
Classification: Benign. Last evaluated: 2024-03-07. Review status: criteria provided, single submitter. Criteria: Invitae Variant Classification Sherloc (09022015). Collection method: clinical testing. Allele origin: germline.

NM_005559.4(LAMA1):c.8073G>A (p.Leu2691=)

Genes: LAMA1 (laminin subunit alpha 1; minus strand), LOC101927188 (uncharacterized LOC101927188; plus strand). Cytogenetic location: 18p11.31.
Variant type: single nucleotide variant.
Coding change: c.8073G>A on transcript NM_005559.4 (MANE Select); coding-DNA position 8073, G replaced by A.
Protein change: p.Leu2691=; no amino-acid change (leucine 2691 retained).
Molecular consequence: synonymous variant. On other transcripts: non-coding transcript variant (1).
Genome position (GRCh38, 1-based): chr18:6,956,657, C>T on the plus strand (G>A on the coding strand, the complement: LAMA1 is on the minus strand). VCF-style: chr18-6956657-C-T. GRCh37 (hg19) VCF-style: chr18-6956656-C-T.
Identifiers: ClinVar variation 794480 (VCV000794480.32), dbSNP rs575310299, ClinGen allele CA8880703.